The following is an entry in ClinVar:

NM_025219.3(DNAJC5):c.75C>G (p.Asn25Lys)

Gene: DNAJC5 (DnaJ heat shock protein family (Hsp40) member C5; plus strand). Cytogenetic location: 20q13.33.
Variant type: single nucleotide variant.
Coding change: c.75C>G on transcript NM_025219.3 (MANE Select); coding-DNA position 75, C replaced by G.
Protein change: p.Asn25Lys; replaces asparagine 25 with lysine.
Molecular consequence: missense variant.
Genome position (GRCh38, 1-based): chr20:63,928,420, C>G. VCF-style: chr20-63928420-C-G. GRCh37 (hg19) VCF-style: chr20-62559773-C-G.
Other names: short protein forms N25K.
Identifiers: ClinVar variation 4701728 (VCV004701728.1).
Genomic context (GRCh38, chr20:63,928,420, plus strand): 5'-ACAGCGCTCACTGTCTACCTCTGGGGAGTCATTGTACCACGTCCTTGGGTTGGACAAGAA[C>G]GCAACCTCAGATGACATTAAAAAGTCCTATCGGTAAGTGGACAAGTGTGGCCCCCACATC-3'
Protein context (NP_079495.1, residues 15-35): SLYHVLGLDK[Asn25Lys]ATSDDIKKSY

ClinVar aggregate classification (germline): Uncertain significance (1 of 4 stars; one submission).

Conditions:
Neuronal ceroid lipofuscinosis. Also called: Neuronal Ceroid Lipofuscinoses. Identifiers: Orphanet 216, Orphanet 79263, MedGen C0027877, MONDO:0016295. Disease mechanism: loss of function.

gnomAD v4.1: 1 of 1,614,076 alleles (0.000062%); highest among the groups gnomAD compares: Non-Finnish European, 0.000085%; no homozygotes.

Submission:

Labcorp Genetics (formerly Invitae), Labcorp
Classification: Uncertain significance for Neuronal ceroid lipofuscinosis. Last evaluated: 2025-03-23. Review status: criteria provided, single submitter. Criteria: Invitae Variant Classification Sherloc (09022015). Collection method: clinical testing. Allele origin: germline.
Comment: This sequence change replaces asparagine, which is neutral and polar, with lysine, which is basic and polar, at codon 25 of the DNAJC5 protein (p.Asn25Lys). This variant is not present in population databases (gnomAD no frequency). This variant has not been reported in the literature in individuals affected with DNAJC5-related conditions. An algorithm developed to predict the effect of missense changes on protein structure and function (PolyPhen-2) suggests that this variant is likely to be tolerated. In summary, the available evidence is currently insufficient to determine the role of this variant in disease. Therefore, it has been classified as a Variant of Uncertain Significance.